The following is an entry in ClinVar:

ClinVar aggregate classification (germline): Uncertain significance. Review status: criteria provided, multiple submitters, no conflicts (2 of 4 stars). 2 submissions from 2 submitters: Uncertain significance (2). Last evaluated 2024-04-26.

Conditions:
Mullegama-Klein-Martinez syndrome. Also called: NEURODEVELOPMENTAL DISORDER, X-LINKED, WITH CRANIOFACIAL ABNORMALITIES. Identifiers: MedGen C5193008, MONDO:0026722, OMIM 301022.

Allele frequency attached by ClinVar (database versions not stated): gnomAD exomes below 0.00001; gnomAD 0.00003; TOPMed 0.00007.
gnomAD v4.1: 5 of 1,198,753 alleles (0.00042%); highest among the groups gnomAD compares: African/African-American, 0.0088%; no homozygotes.

Submissions (2):

Pittsburgh Clinical Genomics Laboratory, University of Pittsburgh Medical Center
Classification: Uncertain significance for Mullegama-Klein-Martinez syndrome. Last evaluated: 2024-04-26. Review status: criteria provided, single submitter. Criteria: ACMG Guidelines, 2015. Collection method: clinical testing. Allele origin: germline. Inheritance: X-linked inheritance. Affected: yes.
Comment: This sequence variant is a single nucleotide substitution (C>T) at position 1136 of the coding sequence of the STAG2 gene that results in a threonine to isoleucine amino acid change at residue 379 of the STAG2 cohesin complex component protein. This is a previously reported variant (ClinVar 1404489) that has not been observed in individuals affected by a STAG2-related disorder in the published literature, to our knowledge. This variant is present in 5 of 1198753 alleles (0.0004%) in the gnomAD v4.0.0 population dataset. Multiple bioinformatic tools predict that this amino acid change would be damaging, and the Thr379 residue at this position is highly conserved across the vertebrate species examined. Studies examining the functional consequence of this variant have not been published, to our knowledge. At this time, there is insufficient evidence to determine if this variant is pathogenic or benign. Therefore, we consider this a variant of uncertain significance. ACMG Criteria: PM2, PP3

Labcorp Genetics (formerly Invitae), Labcorp
Classification: Uncertain significance. Last evaluated: 2022-03-19. Review status: criteria provided, single submitter. Criteria: Invitae Variant Classification Sherloc (09022015). Collection method: clinical testing. Allele origin: germline.
Comment: In summary, the available evidence is currently insufficient to determine the role of this variant in disease. Therefore, it has been classified as a Variant of Uncertain Significance. Algorithms developed to predict the effect of missense changes on protein structure and function are either unavailable or do not agree on the potential impact of this missense change (SIFT: "Tolerated"; PolyPhen-2: "Probably Damaging"; Align-GVGD: "Class C0"). This variant has not been reported in the literature in individuals affected with STAG2-related conditions. The frequency data for this variant in the population databases is considered unreliable, as metrics indicate poor data quality at this position in the gnomAD database. This sequence change replaces threonine, which is neutral and polar, with isoleucine, which is neutral and non-polar, at codon 379 of the STAG2 protein (p.Thr379Ile).

NM_001042750.2(STAG2):c.1136C>T (p.Thr379Ile)

Gene: STAG2 (STAG2 cohesin complex component; plus strand). Cytogenetic location: Xq25.
Variant type: single nucleotide variant.
Coding change: c.1136C>T on transcript NM_001042750.2 (MANE Select); coding-DNA position 1136, C replaced by T.
Protein change: p.Thr379Ile; replaces threonine 379 with isoleucine.
Molecular consequence: missense variant.
Genome position (GRCh38, 1-based): chrX:124,051,334, C>T. VCF-style: chrX-124051334-C-T. GRCh37 (hg19) VCF-style: chrX-123185184-C-T.
Other names: c.1136C>T, p.Thr379Ile (NM_001042749.2, NM_001042751.2, NM_001282418.2 and 13 more transcripts); short protein forms T379I.
Identifiers: ClinVar variation 1404489 (VCV001404489.9), dbSNP rs995348190, ClinGen allele CA335278433.
Genomic context (GRCh38, chrX:124,051,334, plus strand): 5'-TTGCTTTCCTTTTAAAAATATTTTAATTTTTTTGTCCTTAGGATAGAATTGTGTCTATGA[C>T]CCTTGACAAAGAATATGATGTTGCAGTACAAGCAATAAAATTACTCACTCTTGTTTTACA-3'
Protein context (NP_001036215.1, residues 369-389): SRFKDRIVSM[Thr379Ile]LDKEYDVAVQ